The following is an entry in ClinVar:

ClinVar aggregate classification (germline): Uncertain significance (1 of 4 stars; one submission).

Allele frequency attached by ClinVar (database versions not stated): 1000 Genomes Project 0.00060; 1000 Genomes Project 30x 0.00062; TOPMed 0.00073; gnomAD 0.00149.
gnomAD v4.1: 225 of 152,328 alleles (0.15%); highest among the groups gnomAD compares: Non-Finnish European, 0.15%; 1 homozygote.

Submission:

Institute for Clinical Genetics, University Hospital TU Dresden, University Hospital TU Dresden
Classification: Uncertain significance. Last evaluated: 2022-08-25. Review status: criteria provided, single submitter. Criteria: ACMG Guidelines, 2015. Collection method: clinical testing. Allele origin: germline.
Comment: BS1

NM_000350.3(ABCA4):c.769-5431G>A

Gene: ABCA4 (ATP binding cassette subfamily A member 4; minus strand). Cytogenetic location: 1p22.1.
Variant type: single nucleotide variant.
Coding change: c.769-5431G>A on transcript NM_000350.3 (MANE Select); 5431 bases into the intron before coding-DNA position 769, G replaced by A.
Molecular consequence: intron variant.
Genome position (GRCh38, 1-based): chr1:94,088,872, C>T on the plus strand (G>A on the coding strand, the complement: ABCA4 is on the minus strand). VCF-style: chr1-94088872-C-T. GRCh37 (hg19) VCF-style: chr1-94554428-C-T.
Identifiers: ClinVar variation 2576023 (VCV002576023.1), dbSNP rs186205650, ClinGen allele CA26877984.
Genomic context (GRCh38, chr1:94,088,872, plus strand): 5'-TAGATAATAGGAAGGCATCTAAGAGGGGGTAGGAGCCCAGAGGCACAACCTAAGGAACAG[C>T]CACACTCATGTCTCCAGGGAGGCTGCGCATAAGTAAATCAGTCACAAGCTCCCATCAGTT-3'